The following is an entry in ClinVar:

NM_015910.7(WDPCP):c.480C>T (p.Ile160=)

Gene: WDPCP (WD repeat containing planar cell polarity effector; minus strand). Cytogenetic location: 2p15.
Variant type: single nucleotide variant.
Coding change: c.480C>T on transcript NM_015910.7 (MANE Select); coding-DNA position 480, C replaced by T.
Protein change: p.Ile160=; no amino-acid change (isoleucine 160 retained).
Molecular consequence: synonymous variant. On other transcripts: non-coding transcript variant (2).
Genome position (GRCh38, 1-based): chr2:63,439,776, G>A on the plus strand (C>T on the coding strand, the complement: WDPCP is on the minus strand). VCF-style: chr2-63439776-G-A. GRCh37 (hg19) VCF-style: chr2-63666910-G-A.
Other names: c.480C>T (NM_015910.5); c.408C>T, p.Ile136= (NM_001354044.2); c.480C>T, p.Ile160= (NM_001354045.2).
Identifiers: ClinVar variation 1648131 (VCV001648131.11), dbSNP rs768777510, ClinGen allele CA1682462.

ClinVar aggregate classification (germline): Benign/Likely benign. Review status: criteria provided, multiple submitters, no conflicts (2 of 4 stars). 3 submissions from 3 submitters: Benign (1); Likely benign (1). 1 of the submissions does not count toward it. Last evaluated 2024-11-07.

Conditions:
WDPCP-related disorder. Also called: WDPCP-related condition.
Bardet-Biedl syndrome (BBS). Identifiers: Orphanet 110, MedGen C0752166, MONDO:0015229.

Allele frequency attached by ClinVar (database versions not stated): TOPMed below 0.00001; gnomAD exomes 0.00008 and 0.00018; ExAC 0.00017; gnomAD 0.00024.
gnomAD v4.1: 154 of 1,613,028 alleles (0.0095%); highest among the groups gnomAD compares: Non-Finnish European, 0.001%; no homozygotes.

Submissions (3):

Blueprint Genetics
Classification: Likely benign. Last evaluated: 2024-11-07. Review status: criteria provided, single submitter. Criteria: ACMG Guidelines, 2015. Collection method: clinical testing. Allele origin: germline.

Labcorp Genetics (formerly Invitae), Labcorp
Classification: Benign for Bardet-Biedl syndrome. Last evaluated: 2021-06-07. Review status: criteria provided, single submitter. Criteria: Invitae Variant Classification Sherloc (09022015). Collection method: clinical testing. Allele origin: germline.

PreventionGenetics, part of Exact Sciences
Classification: Likely benign for WDPCP-related condition. Last evaluated: 2023-12-19. Review status: no assertion criteria provided. Collection method: clinical testing. Allele origin: germline. Not counted in ClinVar's aggregate classification.
Comment: This variant is classified as likely benign based on ACMG/AMP sequence variant interpretation guidelines (Richards et al. 2015 PMID: 25741868, with internal and published modifications).